The following is an entry in ClinVar:

ClinVar aggregate classification (germline): Uncertain significance (1 of 4 stars; one submission).

Allele frequency attached by ClinVar (database versions not stated): gnomAD exomes below 0.00001.
gnomAD v4.1: 1 of 1,613,708 alleles (0.000062%); highest among the groups gnomAD compares: Non-Finnish European, 0.000085%; no homozygotes.

Submission:

Labcorp Genetics (formerly Invitae), Labcorp
Classification: Uncertain significance. Last evaluated: 2022-06-22. Review status: criteria provided, single submitter. Criteria: Invitae Variant Classification Sherloc (09022015). Collection method: clinical testing. Allele origin: germline.
Comment: This sequence change replaces alanine, which is neutral and non-polar, with threonine, which is neutral and polar, at codon 891 of the LIG1 protein (p.Ala891Thr). This variant is not present in population databases (gnomAD no frequency). This variant has not been reported in the literature in individuals affected with LIG1-related conditions. In summary, the available evidence is currently insufficient to determine the role of this variant in disease. Therefore, it has been classified as a Variant of Uncertain Significance. Algorithms developed to predict the effect of missense changes on protein structure and function output the following: SIFT: "Tolerated"; PolyPhen-2: "Benign"; Align-GVGD: "Class C0". The threonine amino acid residue is found in multiple mammalian species, which suggests that this missense change does not adversely affect protein function.

NM_000234.3(LIG1):c.2671G>A (p.Ala891Thr)

Gene: LIG1 (DNA ligase 1; minus strand). Cytogenetic location: 19q13.33.
Variant type: single nucleotide variant.
Coding change: c.2671G>A on transcript NM_000234.3 (MANE Select); coding-DNA position 2671, G replaced by A.
Protein change: p.Ala891Thr; replaces alanine 891 with threonine.
Molecular consequence: missense variant. On other transcripts: non-coding transcript variant (6).
Genome position (GRCh38, 1-based): chr19:48,115,878, C>T on the plus strand (G>A on the coding strand, the complement: LIG1 is on the minus strand). VCF-style: chr19-48115878-C-T. GRCh37 (hg19) VCF-style: chr19-48619135-C-T.
Other names: c.2578G>A, p.Ala860Thr (NM_001289063.2); c.2467G>A, p.Ala823Thr (NM_001289064.2); c.2668G>A, p.Ala890Thr (NM_001320970.2); c.2581G>A, p.Ala861Thr (NM_001320971.2); short protein forms A890T, A823T, A861T, A891T, A860T.
Identifiers: ClinVar variation 2093429 (VCV002093429.4), dbSNP rs1600296385, ClinGen allele CA406641550.